The following is an entry in ClinVar:

ClinVar aggregate classification (germline): Pathogenic/Likely pathogenic. Review status: criteria provided, multiple submitters, no conflicts (2 of 4 stars). 3 submissions from 3 submitters: Pathogenic (2); Likely pathogenic (1). Last evaluated 2025-06-20.

Conditions:
Sjögren-Larsson syndrome (SLS). Also called: FALDH DEFICIENCY; FATTY ALCOHOL:NAD+ OXIDOREDUCTASE DEFICIENCY; FATTY ALDEHYDE DEHYDROGENASE DEFICIENCY; ICHTHYOSIS, SPASTIC NEUROLOGIC DISORDER, AND OLIGOPHRENIA. Identifiers: Orphanet 816, MedGen C0037231, MONDO:0010031, OMIM 270200.

Submissions (3):

Myriad Genetics, Inc.
Classification: Likely pathogenic for Sjögren-Larsson syndrome. Last evaluated: 2025-06-20. Review status: criteria provided, single submitter. Criteria: Myriad Autosomal Dominant, Autosomal Recessive and X-Linked Classification Criteria (2023). Collection method: clinical testing. Allele origin: unknown.
Comment: NM_000382.2(ALDH3A2):c.385+2T>C is a variant in a canonical splice site classified as likely pathogenic in the context of Sjogren-Larsson syndrome. c.385+2T>C has been observed in a case with relevant disease (PMID: 10854114). Relevant functional assessments of this variant are available in the literature (PMID: 10854114). c.385+2T>C has not been observed in referenced population frequency databases. In summary, NM_000382.2(ALDH3A2):c.385+2T>C is a variant in a canonical splice site in a gene where loss of function is a known mechanism of disease, is predicted to disrupt protein function, and has been observed more frequently in cases with the relevant disease than in healthy populations. Please note: this variant was assessed in the context of healthy population screening.

Women's Health and Genetics/Laboratory Corporation of America, LabCorp
Classification: Pathogenic for Sjögren-Larsson syndrome. Last evaluated: 2022-05-13. Review status: criteria provided, single submitter. Criteria: LabCorp Variant Classification Summary - May 2015. Collection method: clinical testing. Allele origin: germline.
Comment: Variant summary: ALDH3A2 c.385+2T>C is located in a canonical splice-site and is predicted to affect mRNA splicing resulting in a significantly altered protein due to either exon skipping, shortening, or inclusion of intronic material. Several computational tools predict a significant impact on normal splicing: One predict the variant abolishes a 5 prime splicing donor site; one predict the variant weakens a 5 prime donor site. At least one publication reports experimental evidence that this variant affects mRNA splicing. The variant was absent in 251202 control chromosomes. c.385+2T>C has been reported in the literature in one individual affected with Sjogren-Larsson Syndrome. One clinical diagnostic laboratory has submitted clinical-significance assessments for this variant to ClinVar after 2014 without evidence for independent evaluation and classified the variant as pathogenic. Based on the evidence outlined above, the variant was classified as pathogenic.

Labcorp Genetics (formerly Invitae), Labcorp
Classification: Pathogenic. Last evaluated: 2019-03-18. Review status: criteria provided, single submitter. Criteria: Invitae Variant Classification Sherloc (09022015). Collection method: clinical testing. Allele origin: germline.
Comment: For these reasons, this variant has been classified as Pathogenic. Donor and acceptor splice site variants typically lead to a loss of protein function (PMID: 16199547), and loss-of-function variants in ALDH3A2 are known to be pathogenic (PMID: 10577908, 10854114). Experimental studies have shown that this variant disrupts mRNA splicing (PMID: 10854114). This variant has been observed in an individual affected with Sjogren-Larsson syndrome (PMID: 10854114). This variant is not present in population databases (ExAC no frequency). This sequence change affects a donor splice site in intron 2 of the ALDH3A2 gene. It is expected to disrupt RNA splicing and likely results in an absent or disrupted protein product.

Literature cited by the submitters: PubMed 10854114 (cited by 3 submitters); PubMed 16199547 (cited by Labcorp Genetics (formerly Invitae), Labcorp); PubMed 10577908 (cited by Labcorp Genetics (formerly Invitae), Labcorp).

NM_000382.3(ALDH3A2):c.385+2T>C

Gene: ALDH3A2 (aldehyde dehydrogenase 3 family member A2; plus strand). Cytogenetic location: 17p11.2.
Variant type: single nucleotide variant.
Coding change: c.385+2T>C on transcript NM_000382.3 (MANE Select); the canonical splice donor site of the intron after coding-DNA position 385, T replaced by C.
Molecular consequence: splice donor variant.
Genome position (GRCh38, 1-based): chr17:19,651,780, T>C. VCF-style: chr17-19651780-T-C. GRCh37 (hg19) VCF-style: chr17-19555093-T-C.
Other names: c.-304+2T>C (NM_001369148.2); c.385+2T>C (NM_001369137.2, NM_001369138.2, NM_001369146.2 and 3 more transcripts).
Identifiers: ClinVar variation 844940 (VCV000844940.9), dbSNP rs2084819840, ClinGen allele CA398702710.